The following is an entry in ClinVar:

NM_016616.5(NME8):c.266G>C (p.Ser89Thr)

Gene: NME8 (NME/NM23 family member 8; plus strand). Cytogenetic location: 7p14.1.
Variant type: single nucleotide variant.
Coding change: c.266G>C on transcript NM_016616.5 (MANE Select); coding-DNA position 266, G replaced by C.
Protein change: p.Ser89Thr; replaces serine 89 with threonine.
Molecular consequence: missense variant.
Genome position (GRCh38, 1-based): chr7:37,857,341, G>C. VCF-style: chr7-37857341-G-C. GRCh37 (hg19) VCF-style: chr7-37896943-G-C.
Other names: short protein forms S89T.
Identifiers: ClinVar variation 3704778 (VCV003704778.2).

ClinVar aggregate classification (germline): Uncertain significance (1 of 4 stars; one submission).

Conditions:
Primary ciliary dyskinesia 6. Also called: Primary Ciliary Dyskinesia 6: TXNDC3-Related Primary Ciliary Dyskinesia. Identifiers: Orphanet 244, MedGen C1970506, MONDO:0012571, OMIM 610852.

gnomAD v4.1: 1 of 1,599,122 alleles (0.000063%); highest among the groups gnomAD compares: Admixed American, 0.0017%; no homozygotes.

Submission:

Labcorp Genetics (formerly Invitae), Labcorp
Classification: Uncertain significance for Primary ciliary dyskinesia 6. Last evaluated: 2024-07-23. Review status: criteria provided, single submitter. Criteria: Invitae Variant Classification Sherloc (09022015). Collection method: clinical testing. Allele origin: germline.
Comment: This sequence change replaces serine, which is neutral and polar, with threonine, which is neutral and polar, at codon 89 of the NME8 protein (p.Ser89Thr). This variant is not present in population databases (gnomAD no frequency). This variant has not been reported in the literature in individuals affected with NME8-related conditions. Advanced modeling of protein sequence and biophysical properties (such as structural, functional, and spatial information, amino acid conservation, physicochemical variation, residue mobility, and thermodynamic stability) performed at Invitae indicates that this missense variant is not expected to disrupt NME8 protein function with a negative predictive value of 80%. In summary, the available evidence is currently insufficient to determine the role of this variant in disease. Therefore, it has been classified as a Variant of Uncertain Significance.